The following is an entry in ClinVar:

ClinVar aggregate classification (germline): Uncertain significance (1 of 4 stars; one submission).

Allele frequency attached by ClinVar (database versions not stated): gnomAD exomes below 0.00001; gnomAD 0.00001.
gnomAD v4.1: 4 of 1,609,270 alleles (0.00025%); highest among the groups gnomAD compares: Non-Finnish European, 0.00025%; no homozygotes.

Submission:

Ambry Genetics
Classification: Uncertain significance. Last evaluated: 2025-12-02. Review status: criteria provided, single submitter. Criteria: Ambry Variant Classification Scheme 2023. Collection method: clinical testing. Allele origin: germline.
Comment: The p.L564P variant (also known as c.1691T>C), located in coding exon 15 of the A2ML1 gene, results from a T to C substitution at nucleotide position 1691. The leucine at codon 564 is replaced by proline, an amino acid with similar properties. This amino acid position is conserved. In addition, the in silico prediction for this alteration is inconclusive. Since supporting evidence is limited at this time, the clinical significance of this alteration remains unclear.

NM_144670.6(A2ML1):c.1691T>C (p.Leu564Pro)

Gene: A2ML1 (alpha-2-macroglobulin like 1; plus strand). Cytogenetic location: 12p13.31.
Variant type: single nucleotide variant.
Coding change: c.1691T>C on transcript NM_144670.6 (MANE Select); coding-DNA position 1691, T replaced by C.
Protein change: p.Leu564Pro; replaces leucine 564 with proline.
Molecular consequence: missense variant.
Genome position (GRCh38, 1-based): chr12:8,847,556, T>C. VCF-style: chr12-8847556-T-C. GRCh37 (hg19) VCF-style: chr12-9000152-T-C.
Other names: c.218T>C, p.Leu73Pro (NM_001282424.3); short protein forms L564P, L73P.
Identifiers: ClinVar variation 2497285 (VCV002497285.3), dbSNP rs931220172, ClinGen allele CA232681907.